The following is an entry in ClinVar:

ClinVar aggregate classification (germline): Pathogenic. Review status: reviewed by expert panel (3 of 4 stars). 60 submissions from 55 submitters: Pathogenic (1). 59 of the submissions do not count toward it. Last evaluated 2018-09-17.

Conditions:
GJB2-related disorder. Also called: GJB2-related condition; GJB2-related disorders. Identifiers: MedGen CN382183, MONDO:1060236.
Rare genetic deafness. Identifiers: Orphanet 96210, MedGen C5680250.
Monogenic hearing loss.
Hearing loss. Identifiers: MedGen C3887873.
Autosomal recessive nonsyndromic hearing loss 1A (DFNB1A). Also called: Deafness, autosomal recessive 1A; GJB2-Related Autosomal Recessive Nonsyndromic Hearing Loss; Connexin 26 deafness; Deafness nonsyndromic, Connexin 26 linked; Nonsyndromic Hearing Loss and Deafness, DFNB1; GJB6-Related DFNB 1 Nonsyndromic Hearing Loss and Deafness. Identifiers: Orphanet 90636, MedGen C2673759, MONDO:0009076, OMIM 220290.
Palmoplantar keratoderma-deafness syndrome. Also called: Keratoderma palmoplantar, with deafness; Palmoplantar keratoderma and sensorineural deafness; Hereditary palmoplantar keratoderma with deafness (subtype); Focal palmoplantar keratoderma with sensorineural deafness (subtype); Diffuse palmoplantar keratoderma with deafness (subtype). Identifiers: Orphanet 2202, MedGen C1835672, MONDO:0007852, OMIM 148350.
Knuckle pads, deafness AND leukonychia syndrome. Also called: Bart-Pumphrey syndrome. Identifiers: Orphanet 2698, MedGen C0266004, MONDO:0007866, OMIM 149200.
Autosomal dominant keratitis-ichthyosis-hearing loss syndrome. Also called: HID SYNDROME; KID SYNDROME, AUTOSOMAL DOMINANT; Senter syndrome. Identifiers: Orphanet 477, MedGen C0265336, MONDO:0007850, OMIM 148210.
Autosomal dominant nonsyndromic hearing loss 3A. Identifiers: Orphanet 90635, MedGen C2675750, MONDO:0011103, OMIM 601544.
Ichthyosis, hystrix-like, with hearing loss. Also called: Hystrix-like ichthyosis with deafness. Identifiers: Orphanet 477, MedGen C1865234, MONDO:0011245.
Mutilating keratoderma (VOWNKL). Also called: Keratoderma hereditarium mutilans. Identifiers: Orphanet 494, MedGen C0265964, MONDO:0007422, OMIM 124500.
Hereditary palmoplantar keratoderma. Identifiers: Orphanet 79357, MedGen C0406757, MONDO:0019272.
Sensorineural hearing loss disorder. Also called: Sensorineural hearing loss; Sensorineural Deafness; Sensorineural hearing impairment. Identifiers: MedGen C0018784, MeSH D006319, MONDO:0020678, HP:0000407.
Nonsyndromic genetic hearing loss. Also called: Nonsyndromic hearing loss and deafness; Non-syndromic genetic deafness; Nonsyndromic genetic deafness. Identifiers: Orphanet 87884, MedGen C5680182, MONDO:0019497.
Autosomal recessive nonsyndromic hearing loss 1B. Also called: DEAFNESS, AUTOSOMAL RECESSIVE 1B. Identifiers: Orphanet 90636, MedGen C2675235, MONDO:0012977, OMIM 612645.
Hearing loss, autosomal recessive. Also called: Rare autosomal recessive non-syndromic sensorineural deafness type DFNB; Nonsyndromic Hearing Loss, Recessive; Autosomal recessive nonsyndromic deafness; Deafness, autosomal recessive. Identifiers: Orphanet 90635, Orphanet 90636, MedGen C1846647, MONDO:0019588, OMIM 607197.
Hearing impairment. Also called: Impaired Hearing. Identifiers: MedGen C1384666, MONDO:0005365, HP:0000365.

Allele frequency attached by ClinVar (database versions not stated): ExAC 0.00058; TOPMed 0.00002; gnomAD 0.00014 and 0.00002; 1000 Genomes Project 30x 0.00031; 1000 Genomes Project 0.00040; gnomAD exomes 0.00058.
gnomAD v4.1: 451 of 1,614,180 alleles (0.028%); highest among the groups gnomAD compares: South Asian, 0.42%; 4 homozygotes.

Submissions 1 to 7 of 60:

ClinGen Hearing Loss Variant Curation Expert Panel
Classification: Pathogenic for Nonsyndromic genetic hearing loss. Last evaluated: 2018-09-17. Review status: reviewed by expert panel. Criteria: ClinGen HL ACMG Specifications v1. Collection method: curation. Allele origin: germline. Inheritance: Autosomal recessive inheritance.
Comment: The filtering allele frequency of the p.Trp24X variant in the GJB2 gene is 0.38% (137/ 30782) of South Asian chromosomes by the Genome Aggregation Database (calculated by using inverse allele frequency at an online resource), which is a high enough frequency to be classified as likely benign based on the thresholds defined by the ClinGen Hearing Loss Expert Panel for autosomal recessive hearing loss variants (BS1). However, the ClinGen Hearing Loss Expert Panel believes that the evidence for the pathogenicity of this variant for nonsyndromic hearing loss outweighs the high allele frequency of the variant in population databases. Therefore, the BS1 code will not contribute to the overall classification. The p.Trp24X variant in GJB2 is predicted to cause a premature stop codon in the only exon of GJB2 that leads to a truncated or absent protein in a gene in which loss-of-function is an established mechanism (PVS1). This variant has been detected in patients with hearing loss in trans with at least 4 pathogenic or suspected-pathogenic variants (PM3_VS; PMID: 15070423, 24123366, 18941476, 9139825). A knock-in mouse model demonstrates that the p.Trp24X variant leads to the phenotype (PS3; PMID:18941476). In summary, this variant meets criteria to be classified as pathogenic for autosomal recessive nonsyndromic hearing loss based on the ACMG/AMP criteria applied, as specified by the Hearing Loss Expert Panel: PVS1, PM3_VS, PS3, BS1.

Genetics Laboratory, Great Ormond Street Hospital NHS Foundation Trust, North Thames Genomic Laboratory Hub
Classification: Pathogenic for Monogenic hearing loss. Last evaluated: 2026-08-20. Review status: criteria provided, single submitter. Criteria: ACGS Best Practice Guidelines for Variant Classification in Rare Disease 2024 v1.2. Collection method: clinical testing. Allele origin: germline. Affected: yes. Not counted in ClinVar's aggregate classification.
Comment: PVS1_strong, PS3_moderate, PM3_very-strong

Labcorp Genetics (formerly Invitae), Labcorp
Classification: Pathogenic. Last evaluated: 2026-01-24. Review status: criteria provided, single submitter. Criteria: Invitae Variant Classification Sherloc (09022015). Collection method: clinical testing. Allele origin: germline. Not counted in ClinVar's aggregate classification.
Comment: This sequence change creates a premature translational stop signal (p.Trp24*) in the GJB2 gene. While this is not anticipated to result in nonsense mediated decay, it is expected to disrupt the last 203 amino acid(s) of the GJB2 protein. This variant is present in population databases (rs104894396, gnomAD 0.4%), and has an allele count higher than expected for a pathogenic variant. This premature translational stop signal has been observed in individual(s) with autosomal recessive deafness in several families and to be a common cause of the disease in many populations (PMID: 12833397, 15146474, 16088916, 24840842, 26059209). It has also been observed to segregate with disease in related individuals. ClinVar contains an entry for this variant (Variation ID: 17002). Algorithms developed to predict the effect of variants on gene product structure and function are not available or were not evaluated for this variant. Experimental studies are conflicting or provide insufficient evidence to determine the effect of this variant on GJB2 function (PMID: 18941476). For these reasons, this variant has been classified as Pathogenic.

Institute of Medical Genetics and Applied Genomics, University Hospital Tübingen
Classification: Pathogenic for Autosomal recessive nonsyndromic hearing loss 1A. Last evaluated: 2026-01-19. Review status: criteria provided, single submitter. Criteria: ACMG Guidelines, 2015. Collection method: clinical testing. Allele origin: germline. Inheritance: Autosomal recessive inheritance. Affected: yes. Not counted in ClinVar's aggregate classification.

CeGaT Center for Human Genetics Tuebingen
Classification: Pathogenic. Last evaluated: 2026-01-01. Review status: criteria provided, single submitter. Criteria: CeGaT Center For Human Genetics Tuebingen Variant Classification Criteria Version 2. Collection method: clinical testing. Allele origin: germline. Affected: yes. Observed: 16 variant alleles. Not counted in ClinVar's aggregate classification.
Comment: GJB2: PM3:Very Strong, PM2:Supporting, PS3:Supporting

Dasa
Classification: Pathogenic. Last evaluated: 2025-08-11. Review status: criteria provided, single submitter. Criteria: DASA Assertion Criteria. Collection method: clinical testing. Allele origin: germline. Not counted in ClinVar's aggregate classification.
Comment: NM_004004.6(GJB2):c.71G>A (p.Trp24Ter) introduces a premature termination codon predicted to result in loss of normal protein function. Loss-of-function is an established mechanism of disease for this gene. This variant has been observed in affected individuals with related phenotype in a genotype context consistent with recessive disease (PMID: 15070423; PMID: 24123366; PMID: 18941476; PMID: 9139825). Functional evidence supports a deleterious effect on the gene or gene product (PMID: 15070423; PMID: 24123366; PMID: 18941476; PMID: 9139825). This variant has been recurrently observed in individuals with related phenotype (PMID: 15070423; PMID: 24123366; PMID: 18941476; PMID: 9139825). Segregation evidence has been reported in affected families. The variant is present at low frequency in population datasets. Based on the available data, this variant is classified as pathogenic.

Natera, Inc.
Classification: Pathogenic for Autosomal recessive deafness type 1A. Last evaluated: 2025-08-06. Review status: criteria provided, single submitter. Criteria: Natera Variant Classification Schema (03/2026). Collection method: clinical testing. Allele origin: germline. Not counted in ClinVar's aggregate classification.
Comment: The c.71G>A variant in GJB2 is a nonsense variant predicted to introduce a stop codon at amino acid 24. This variant is expected to result in nonsense mediated decay, truncation, or a dysfunctional protein product. This variant is rare in the general population with a frequency below the threshold expected for the associated phenotype(s). This variant has been observed in one or more individuals affected with the associated recessive disease, as either homozygous or compound heterozygous with a second variant (PMID: 24949729). Given the available evidence, this variant is classified as Pathogenic.

NM_004004.6(GJB2):c.71G>A (p.Trp24Ter)

Gene: GJB2 (gap junction protein beta 2; minus strand). Cytogenetic location: 13q12.11.
Variant type: single nucleotide variant.
Coding change: c.71G>A on transcript NM_004004.6 (MANE Select); coding-DNA position 71, G replaced by A.
Protein change: p.Trp24Ter; replaces tryptophan 24 with a stop codon.
Molecular consequence: nonsense.
Genome position (GRCh38, 1-based): chr13:20,189,511, C>T on the plus strand (G>A on the coding strand, the complement: GJB2 is on the minus strand). VCF-style: chr13-20189511-C-T. GRCh37 (hg19) VCF-style: chr13-20763650-C-T.
Other names: rs104894396; NM_004004.5(GJB2):c.71G>A(p.Trp24Ter); NM_004004.5(GJB2):c.71G>A; short protein forms W24*.
Identifiers: ClinVar variation 17002 (VCV000017002.149), dbSNP rs104894396, ClinGen allele CA172240.